The following is an entry in ClinVar:

NM_000260.4(MYO7A):c.106G>A (p.Val36Ile)

Gene: MYO7A (myosin VIIA; plus strand). Cytogenetic location: 11q13.5.
Variant type: single nucleotide variant.
Coding change: c.106G>A on transcript NM_000260.4 (MANE Select); coding-DNA position 106, G replaced by A.
Protein change: p.Val36Ile; replaces valine 36 with isoleucine.
Molecular consequence: missense variant.
Genome position (GRCh38, 1-based): chr11:77,142,796, G>A. VCF-style: chr11-77142796-G-A. GRCh37 (hg19) VCF-style: chr11-76853842-G-A.
Other names: c.106G>A, p.Val36Ile (NM_001127180.2); c.73G>A, p.Val25Ile (NM_001369365.1); short protein forms V25I, V36I.
Identifiers: ClinVar variation 4747936 (VCV004747936.1).

ClinVar aggregate classification (germline): Uncertain significance (1 of 4 stars; one submission).

gnomAD v4.1: 1 of 1,609,600 alleles (0.000062%); highest among the groups gnomAD compares: Non-Finnish European, 0.000085%; no homozygotes.

Submission:

Labcorp Genetics (formerly Invitae), Labcorp
Classification: Uncertain significance. Last evaluated: 2025-03-07. Review status: criteria provided, single submitter. Criteria: Invitae Variant Classification Sherloc (09022015). Collection method: clinical testing. Allele origin: germline.
Comment: This sequence change replaces valine, which is neutral and non-polar, with isoleucine, which is neutral and non-polar, at codon 36 of the MYO7A protein (p.Val36Ile). This variant is not present in population databases (gnomAD no frequency). This variant has not been reported in the literature in individuals affected with MYO7A-related conditions. Invitae Evidence Modeling of protein sequence and biophysical properties (such as structural, functional, and spatial information, amino acid conservation, physicochemical variation, residue mobility, and thermodynamic stability) indicates that this missense variant is not expected to disrupt MYO7A protein function with a negative predictive value of 95%. In summary, the available evidence is currently insufficient to determine the role of this variant in disease. Therefore, it has been classified as a Variant of Uncertain Significance.